The following is an entry in ClinVar:

NM_001374353.1(GLI2):c.3571C>G (p.Arg1191Gly)

Gene: GLI2 (GLI family zinc finger 2; plus strand). Cytogenetic location: 2q14.2.
Variant type: single nucleotide variant.
Coding change: c.3571C>G on transcript NM_001374353.1 (MANE Select); coding-DNA position 3571, C replaced by G.
Protein change: p.Arg1191Gly; replaces arginine 1191 with glycine.
Molecular consequence: missense variant.
Genome position (GRCh38, 1-based): chr2:120,989,536, C>G. VCF-style: chr2-120989536-C-G. GRCh37 (hg19) VCF-style: chr2-121747112-C-G.
Other names: c.3622C>G, p.Arg1208Gly (NM_001371271.1, NM_005270.5); c.3196C>G, p.Arg1066Gly (NM_001374354.1); short protein forms R1066G, R1191G, R1208G.
Identifiers: ClinVar variation 3520507 (VCV003520507.2).

ClinVar aggregate classification (germline): Uncertain significance. Review status: criteria provided, multiple submitters, no conflicts (2 of 4 stars). 2 submissions from 2 submitters: Uncertain significance (2). Last evaluated 2025-12-01.

Conditions:
Inborn genetic diseases. Identifiers: MedGen C0950123, MeSH D030342.
Holoprosencephaly 9 (HPE9). Also called: PITUITARY ANOMALIES WITH HOLOPROSENCEPHALY-LIKE FEATURES; HOLOPROSENCEPHALY WITH MICROPHTHALMIA AND FIRST BRANCHIAL ARCH ANOMALIES. Identifiers: Orphanet 2162, MedGen C1835819, MONDO:0012563, OMIM 610829.
Postaxial polydactyly-anterior pituitary anomalies-facial dysmorphism syndrome. Also called: Culler-Jones syndrome. Identifiers: Orphanet 420584, MedGen C4014479, MONDO:0014369, OMIM 615849.

gnomAD v4.1: 12 of 1,612,424 alleles (0.00074%); highest among the groups gnomAD compares: Admixed American, 0.0017%; no homozygotes.

Submissions (2):

Labcorp Genetics (formerly Invitae), Labcorp
Classification: Uncertain significance for Postaxial polydactyly-anterior pituitary anomalies-facial dysmorphism syndrome; Holoprosencephaly 9. Last evaluated: 2025-12-01. Review status: criteria provided, single submitter. Criteria: Invitae Variant Classification Sherloc (09022015). Collection method: clinical testing. Allele origin: germline.
Comment: This sequence change replaces arginine, which is basic and polar, with glycine, which is neutral and non-polar, at codon 1208 of the GLI2 protein (p.Arg1208Gly). This variant is not present in population databases (gnomAD no frequency). This variant has not been reported in the literature in individuals affected with GLI2-related conditions. ClinVar contains an entry for this variant (Variation ID: 3520507). An algorithm developed to predict the effect of missense changes on protein structure and function (PolyPhen-2) suggests that this variant is likely to be tolerated. In summary, the available evidence is currently insufficient to determine the role of this variant in disease. Therefore, it has been classified as a Variant of Uncertain Significance.

Ambry Genetics
Classification: Uncertain significance for Inborn genetic diseases. Last evaluated: 2024-10-01. Review status: criteria provided, single submitter. Criteria: Ambry Variant Classification Scheme 2023. Collection method: clinical testing. Allele origin: germline.